The following is an entry in ClinVar:

NM_002662.5(PLD1):c.971A>C (p.Glu324Ala)

Gene: PLD1 (phospholipase D1; minus strand). Cytogenetic location: 3q26.31.
Variant type: single nucleotide variant.
Coding change: c.971A>C on transcript NM_002662.5 (MANE Select); coding-DNA position 971, A replaced by C.
Protein change: p.Glu324Ala; replaces glutamic acid 324 with alanine.
Molecular consequence: missense variant.
Genome position (GRCh38, 1-based): chr3:171,709,650, T>G on the plus strand (A>C on the coding strand, the complement: PLD1 is on the minus strand). VCF-style: chr3-171709650-T-G. GRCh37 (hg19) VCF-style: chr3-171427440-T-G.
Other names: c.971A>C, p.Glu324Ala (NM_001130081.3); short protein forms E324A.
Identifiers: ClinVar variation 1389269 (VCV001389269.8), dbSNP rs138886146, ClinGen allele CA2704779.

ClinVar aggregate classification (germline): Uncertain significance (1 of 4 stars; one submission).

Allele frequency attached by ClinVar (database versions not stated): gnomAD exomes below 0.00001 and 0.00001; ExAC 0.00002; ESP Exome Variant Server 0.00008.
gnomAD v4.1: 2 of 1,614,112 alleles (0.00012%); highest among the groups gnomAD compares: African/African-American, 0.0013%; no homozygotes.

Submission:

Labcorp Genetics (formerly Invitae), Labcorp
Classification: Uncertain significance. Last evaluated: 2022-03-02. Review status: criteria provided, single submitter. Criteria: Invitae Variant Classification Sherloc (09022015). Collection method: clinical testing. Allele origin: germline.
Comment: In summary, the available evidence is currently insufficient to determine the role of this variant in disease. Therefore, it has been classified as a Variant of Uncertain Significance. Algorithms developed to predict the effect of sequence changes on RNA splicing suggest that this variant may disrupt the consensus splice site. Algorithms developed to predict the effect of missense changes on protein structure and function are either unavailable or do not agree on the potential impact of this missense change (SIFT: "Tolerated"; PolyPhen-2: "Possibly Damaging"; Align-GVGD: "Class C0"). This variant has not been reported in the literature in individuals affected with PLD1-related conditions. This variant is present in population databases (rs138886146, gnomAD 0.007%). This sequence change replaces glutamic acid, which is acidic and polar, with alanine, which is neutral and non-polar, at codon 324 of the PLD1 protein (p.Glu324Ala).